The following is an entry in ClinVar:

NM_001042492.3(NF1):c.4532_4533delinsAT (p.Leu1511His)

Gene: NF1 (neurofibromin 1; plus strand). Cytogenetic location: 17q11.2.
Variant type: Indel.
Coding change: c.4532_4533delinsAT on transcript NM_001042492.3 (MANE Select); coding-DNA positions 4532 to 4533, TC replaced by AT.
Protein change: p.Leu1511His; replaces leucine 1511 with histidine.
Molecular consequence: missense variant.
Genome position (GRCh38, 1-based): chr17:31,260,470-31,260,471, TC replaced by AT. VCF-style: chr17-31260470-TC-AT. GRCh37 (hg19) VCF-style: chr17-29587488-TC-AT.
Other names: c.4469_4470delTCinsAT, p.Leu1490His (NM_000267.4); short protein forms L1511H, L1490H.
Identifiers: ClinVar variation 2818667 (VCV002818667.3), dbSNP rs2508421720, ClinGen allele CA2739267404.

ClinVar aggregate classification (germline): Uncertain significance (1 of 4 stars; one submission).

Conditions:
Neurofibromatosis, type 1 (NF1). Also called: VON RECKLINGHAUSEN DISEASE; Peripheral type neurofibromatosis; Neurofibromatosis, type I; NEUROFIBROMATOSIS, TYPE I, SOMATIC. Identifiers: Orphanet 636, MedGen C0027831, MONDO:0018975, OMIM 162200. Disease mechanism: loss of function.

Submission:

Labcorp Genetics (formerly Invitae), Labcorp
Classification: Uncertain significance for Neurofibromatosis, type 1. Last evaluated: 2025-07-07. Review status: criteria provided, single submitter. Criteria: Invitae Variant Classification Sherloc (09022015). Collection method: clinical testing. Allele origin: germline.
Comment: This sequence change replaces leucine, which is neutral and non-polar, with histidine, which is basic and polar, at codon 1490 of the NF1 protein (p.Leu1490His). Information on the frequency of this variant in the gnomAD database is not available, as this variant may be reported differently in the database. This variant has not been reported in the literature in individuals affected with NF1-related conditions. ClinVar contains an entry for this variant (Variation ID: 2818667). An algorithm developed to predict the effect of missense changes on protein structure and function (PolyPhen-2) suggests that this variant is likely to be disruptive. This variant disrupts the p.Leu1490 amino acid residue in NF1. Other variant(s) that disrupt this residue have been determined to be pathogenic (PMID: 25541118, 26635368, 29914388). This suggests that this residue is clinically significant, and that variants that disrupt this residue are likely to be disease-causing. In summary, the available evidence is currently insufficient to determine the role of this variant in disease. Therefore, it has been classified as a Variant of Uncertain Significance.

Literature cited by the submitters: PubMed 25541118; PubMed 26635368; PubMed 29914388.